The following is an entry in ClinVar:

NM_005802.5(TOPORS):c.2753C>G (p.Ser918Cys)

Gene: TOPORS (TOP1 binding arginine/serine rich protein, E3 ubiquitin ligase; minus strand). Cytogenetic location: 9p21.1.
Variant type: single nucleotide variant.
Coding change: c.2753C>G on transcript NM_005802.5 (MANE Select); coding-DNA position 2753, C replaced by G.
Protein change: p.Ser918Cys; replaces serine 918 with cysteine.
Molecular consequence: missense variant.
Genome position (GRCh38, 1-based): chr9:32,541,772, G>C on the plus strand (C>G on the coding strand, the complement: TOPORS is on the minus strand). VCF-style: chr9-32541772-G-C. GRCh37 (hg19) VCF-style: chr9-32541770-G-C.
Other names: c.2558C>G, p.Ser853Cys (NM_001195622.2); short protein forms S853C, S918C.
Identifiers: ClinVar variation 1019801 (VCV001019801.8), dbSNP rs142671355, ClinGen allele CA5020310.
Genomic context (GRCh38, chr9:32,541,772, plus strand): 5'-TCATTTTGTAGAGGGTCTTGAGGACCACTATTGTCACATTCTGTATCCTCCTTTACTTCA[G>C]AATCCTTATCACTGTCACTGTCAATGGTAATTACAACTGGGGAACGTGAAGCATTATCTC-3'
Protein context (NP_005793.2, residues 908-928): ITIDSDSDKD[Ser918Cys]EVKEDTECDN

ClinVar aggregate classification (germline): Uncertain significance (1 of 4 stars; one submission).

Allele frequency attached by ClinVar (database versions not stated): ExAC 0.00001; gnomAD exomes 0.00001; gnomAD 0.00002; TOPMed 0.00003; ESP Exome Variant Server 0.00008.
gnomAD v4.1: 8 of 1,614,048 alleles (0.0005%); highest among the groups gnomAD compares: Non-Finnish European, 0.00068%; no homozygotes.

Submission:

Labcorp Genetics (formerly Invitae), Labcorp
Classification: Uncertain significance. Last evaluated: 2025-03-17. Review status: criteria provided, single submitter. Criteria: Invitae Variant Classification Sherloc (09022015). Collection method: clinical testing. Allele origin: germline.
Comment: This sequence change replaces serine, which is neutral and polar, with cysteine, which is neutral and slightly polar, at codon 918 of the TOPORS protein (p.Ser918Cys). This variant is present in population databases (rs142671355, gnomAD 0.003%). This variant has not been reported in the literature in individuals affected with TOPORS-related conditions. ClinVar contains an entry for this variant (Variation ID: 1019801). An algorithm developed to predict the effect of missense changes on protein structure and function outputs the following: PolyPhen-2: "Not Available". The cysteine amino acid residue is found in multiple mammalian species, which suggests that this missense change does not adversely affect protein function. In summary, the available evidence is currently insufficient to determine the role of this variant in disease. Therefore, it has been classified as a Variant of Uncertain Significance.